The following is an entry in ClinVar:

ClinVar aggregate classification (germline): Uncertain significance (1 of 4 stars; one submission).

Conditions:
Dyskeratosis congenita. Identifiers: Orphanet 1775, MedGen C0265965, MONDO:0015780.

Allele frequency attached by ClinVar (database versions not stated): gnomAD exomes below 0.00001.
gnomAD v4.1: 3 of 1,583,924 alleles (0.00019%); highest among the groups gnomAD compares: South Asian, 0.0011%; no homozygotes.

Submission:

Labcorp Genetics (formerly Invitae), Labcorp
Classification: Uncertain significance for Dyskeratosis congenita. Last evaluated: 2020-11-20. Review status: criteria provided, single submitter. Criteria: Invitae Variant Classification Sherloc (09022015). Collection method: clinical testing. Allele origin: germline.
Comment: In summary, the available evidence is currently insufficient to determine the role of this variant in disease. Therefore, it has been classified as a Variant of Uncertain Significance. Algorithms developed to predict the effect of missense changes on protein structure and function are either unavailable or do not agree on the potential impact of this missense change (SIFT: "Tolerated"; PolyPhen-2: "Probably Damaging"; Align-GVGD: "Class C0"). This variant has not been reported in the literature in individuals with CTC1-related conditions. This variant is not present in population databases (ExAC no frequency). This sequence change replaces proline with leucine at codon 574 of the CTC1 protein (p.Pro574Leu). The proline residue is moderately conserved and there is a moderate physicochemical difference between proline and leucine.

NM_025099.6(CTC1):c.1721C>T (p.Pro574Leu)

Gene: CTC1 (CST telomere replication complex component 1; minus strand). Cytogenetic location: 17p13.1.
Variant type: single nucleotide variant.
Coding change: c.1721C>T on transcript NM_025099.6 (MANE Select); coding-DNA position 1721, C replaced by T.
Protein change: p.Pro574Leu; replaces proline 574 with leucine.
Molecular consequence: missense variant. On other transcripts: non-coding transcript variant (1).
Genome position (GRCh38, 1-based): chr17:8,234,552, G>A on the plus strand (C>T on the coding strand, the complement: CTC1 is on the minus strand). VCF-style: chr17-8234552-G-A. GRCh37 (hg19) VCF-style: chr17-8137870-G-A.
Other names: short protein forms P574L.
Identifiers: ClinVar variation 1362172 (VCV001362172.6), dbSNP rs926565387, ClinGen allele CA397982911.